The following is an entry in ClinVar:

ClinVar aggregate classification (germline): Pathogenic (1 of 4 stars; one submission).

Submission:

Quest Diagnostics Nichols Institute San Juan Capistrano
Classification: Pathogenic. Last evaluated: 2022-12-10. Review status: criteria provided, single submitter. Criteria: ACMG/ClinGen CNV Guidelines, 2019. Collection method: clinical testing. Allele origin: unknown.
Comment: The copy number loss of 18p11.32p11.22 involves numerous protein-coding genes. Haploinsufficiency of TGIF1 has been associated with autosomal dominant holoprosencephaly-4 (HPE4; OMIM 142946, Rehm 2015). In addition, there have been reports of patients that have copy number losses that involve 18p11.32p11.31 with variable phenotypes (Chaves 2019, Verrotti 2015). Heterozygous loss-of-function variants of SMCHD1 are associated with facioscapulohumeral muscular dystrophy 2 (OMIM 158901, Lemmers 2015, Balog 2018). There are no similar copy number losses of this region in the general populations of the Database of Genomic Variants. Thus, based on current medical literature and gene content, this copy number variant (CNV) is classified as pathogenic. References: Balog et al., J Med Genet. 2018 Jul;55(7):469-478. PMID: 29563141 Chaves et al., Sci Rep. 2019 Nov 28;9(1):17776. PMID: 31780800, Han et al., Nature. 2013 Nov 7;503(7474):72-7. PMID: 24153177, Lemmers et al., Hum Mutat. 2015 Jul;36(7):679-83. PMID: 25820463, Rehm et al., N Engl J Med. 2015 Jun 4;372(23):2235-42. PMID: 26014595 HGNC:11776, Verrotti et al., Cytogenet Genome Res. 2015;146(2):115-9. PMID: 26278570_x000D__x000D_

GRCh37/hg19 18p11.32-11.22(chr18:136227-8513569)x1

Genes: ADCYAP1 (adenylate cyclase activating polypeptide 1; plus strand), AKAIN1 (A-kinase anchor inhibitor 1; minus strand), ARHGAP28 (Rho GTPase activating protein 28; plus strand), CETN1 (centrin 1; plus strand), CLUL1 (clusterin like 1; plus strand) and 25 more. Cytogenetic location: 18p11.32-11.22.
Variant type: copy number loss.
Change: copy number 1 (one copy instead of two) of chr18:136,227-8,513,569 (8.38 Mb, GRCh37 coordinates, 1-based), cytogenetic band 18p11.32-11.22.
Identifiers: ClinVar variation 2685612 (VCV002685612.1).